The following is an entry in ClinVar:

ClinVar aggregate classification (germline): Uncertain significance (1 of 4 stars; one submission).

Conditions:
Inborn genetic diseases. Identifiers: MedGen C0950123, MeSH D030342.

Submission:

Ambry Genetics
Classification: Uncertain significance for Inborn genetic diseases. Last evaluated: 2025-04-03. Review status: criteria provided, single submitter. Criteria: Ambry Variant Classification Scheme 2023. Collection method: clinical testing. Allele origin: germline.
Comment: The p.D503E variant (also known as c.1509C>A), located in coding exon 1 of the SAMD9L gene, results from a C to A substitution at nucleotide position 1509. The aspartic acid at codon 503 is replaced by glutamic acid, an amino acid with highly similar properties. This amino acid position is conserved. In addition, this alteration is predicted to be tolerated by in silico analysis. Based on the available evidence, the clinical significance of this variant remains unclear.

NM_152703.5(SAMD9L):c.1509C>A (p.Asp503Glu)

Gene: SAMD9L (sterile alpha motif domain containing 9 like; minus strand). Cytogenetic location: 7q21.2.
Variant type: single nucleotide variant.
Coding change: c.1509C>A on transcript NM_152703.5 (MANE Select); coding-DNA position 1509, C replaced by A.
Protein change: p.Asp503Glu; replaces aspartic acid 503 with glutamic acid.
Molecular consequence: missense variant.
Genome position (GRCh38, 1-based): chr7:93,134,463, G>T on the plus strand (C>A on the coding strand, the complement: SAMD9L is on the minus strand). VCF-style: chr7-93134463-G-T. GRCh37 (hg19) VCF-style: chr7-92763776-G-T.
Other names: c.1509C>A, p.Asp503Glu (NM_001303496.3, NM_001303497.3, NM_001303498.3 and 5 more transcripts); short protein forms D503E.
Identifiers: ClinVar variation 3949801 (VCV003949801.1).